The following is an entry in ClinVar:

NM_003072.5(SMARCA4):c.757C>T (p.His253Tyr)

Gene: SMARCA4 (SWI/SNF related BAF chromatin remodeling complex subunit ATPase 4; plus strand). Cytogenetic location: 19p13.2.
Variant type: single nucleotide variant.
Coding change: c.757C>T on transcript NM_003072.5 (MANE Select); coding-DNA position 757, C replaced by T.
Protein change: p.His253Tyr; replaces histidine 253 with tyrosine.
Molecular consequence: missense variant. On other transcripts: non-coding transcript variant (1).
Genome position (GRCh38, 1-based): chr19:10,986,590, C>T. VCF-style: chr19-10986590-C-T. GRCh37 (hg19) VCF-style: chr19-11097266-C-T.
Other names: p.His253Tyr; c.757C>T, p.His253Tyr (NM_001128844.3, NM_001128845.2, NM_001128846.2 and 5 more transcripts); c.757C>T (NM_001128849.2); short protein forms H253Y.
Identifiers: ClinVar variation 484881 (VCV000484881.15), dbSNP rs1210836682, ClinGen allele CA404057335.

ClinVar aggregate classification (germline): Uncertain significance. Review status: criteria provided, multiple submitters, no conflicts (2 of 4 stars). 3 submissions from 3 submitters: Uncertain significance (3). Last evaluated 2025-07-31.

Conditions:
Rhabdoid tumor predisposition syndrome 2 (RTPS2). Identifiers: Orphanet 231108, Orphanet 69077, MedGen C2750074, MONDO:0013224, OMIM 613325.
Hereditary cancer-predisposing syndrome. Also called: Neoplastic Syndromes, Hereditary; Tumor predisposition; Hereditary Cancer Syndrome; Hereditary neoplastic syndrome. Identifiers: Orphanet 140162, MedGen C0027672, MeSH D009386, MONDO:0015356.

Allele frequency attached by ClinVar (database versions not stated): gnomAD exomes below 0.00001 and 0.00001.

Submissions (3):

Labcorp Genetics (formerly Invitae), Labcorp
Classification: Uncertain significance for Rhabdoid tumor predisposition syndrome 2. Last evaluated: 2025-07-31. Review status: criteria provided, single submitter. Criteria: Invitae Variant Classification Sherloc (09022015). Collection method: clinical testing. Allele origin: germline.
Comment: This sequence change replaces histidine, which is basic and polar, with tyrosine, which is neutral and polar, at codon 253 of the SMARCA4 protein (p.His253Tyr). This variant is present in population databases (no rsID available, gnomAD 0.004%). This variant has not been reported in the literature in individuals affected with SMARCA4-related conditions. ClinVar contains an entry for this variant (Variation ID: 484881). Invitae Evidence Modeling of protein sequence and biophysical properties (such as structural, functional, and spatial information, amino acid conservation, physicochemical variation, residue mobility, and thermodynamic stability) indicates that this missense variant is not expected to disrupt SMARCA4 protein function with a negative predictive value of 80%. In summary, the available evidence is currently insufficient to determine the role of this variant in disease. Therefore, it has been classified as a Variant of Uncertain Significance.

Ambry Genetics
Classification: Uncertain significance for Hereditary cancer-predisposing syndrome. Last evaluated: 2024-10-23. Review status: criteria provided, single submitter. Criteria: Ambry Variant Classification Scheme 2023. Collection method: clinical testing. Allele origin: germline.
Comment: The p.H253Y variant (also known as c.757C>T), located in coding exon 3 of the SMARCA4 gene, results from a C to T substitution at nucleotide position 757. The histidine at codon 253 is replaced by tyrosine, an amino acid with similar properties. This variant has been detected in multiple individuals with no reported features of Coffin-Siris syndrome (Ambry internal data). This amino acid position is highly conserved in available vertebrate species. In addition, the in silico prediction for this alteration is inconclusive. Based on the supporting evidence, the association of this alteration with rhabdoid tumor predisposition syndrome is unknown; however, the association of this alteration with Coffin-Siris syndrome is unlikely.

Mayo Clinic Laboratories, Mayo Clinic
Classification: Uncertain significance. Last evaluated: 2022-12-28. Review status: criteria provided, single submitter. Criteria: ACMG Guidelines, 2015. Collection method: clinical testing. Allele origin: germline. Observed: 2 variant alleles.
Comment: PM2